The following is an entry in ClinVar:

NM_014244.5(ADAMTS2):c.673C>T (p.Gln225Ter)

Gene: ADAMTS2 (ADAM metallopeptidase with thrombospondin type 1 motif 2; minus strand). Cytogenetic location: 5q35.3.
Variant type: single nucleotide variant.
Coding change: c.673C>T on transcript NM_014244.5 (MANE Select); coding-DNA position 673, C replaced by T.
Protein change: p.Gln225Ter; replaces glutamine 225 with a stop codon.
Molecular consequence: nonsense.
Genome position (GRCh38, 1-based): chr5:179,272,926, G>A on the plus strand (C>T on the coding strand, the complement: ADAMTS2 is on the minus strand). VCF-style: chr5-179272926-G-A. GRCh37 (hg19) VCF-style: chr5-178699927-G-A.
Other names: p.Gln225*; c.673C>T, p.Gln225Ter (NM_021599.4); short protein forms Q225*.
Identifiers: ClinVar variation 5502 (VCV000005502.31), dbSNP rs137853146, ClinGen allele CA117556.

ClinVar aggregate classification (germline): Pathogenic. Review status: criteria provided, multiple submitters, no conflicts (2 of 4 stars). 10 submissions from 10 submitters: Pathogenic (9). 1 of the submissions does not count toward it. Last evaluated 2026-01-26.

Conditions:
Ehlers-Danlos syndrome, dermatosparaxis type. Also called: Ehlers-Danlos syndrome, type VII, autosomal recessive; EDS VIIC; Dermatosparaxis. Identifiers: Orphanet 1901, MedGen C2700425, MONDO:0009161, OMIM 225410.

Allele frequency attached by ClinVar (database versions not stated): ExAC 0.00012; gnomAD 0.00005 and 0.00006; TOPMed 0.00007; gnomAD exomes 0.00015.
gnomAD v4.1: 126 of 1,610,038 alleles (0.0078%); highest among the groups gnomAD compares: Admixed American, 0.0017%; no homozygotes.

Submissions (10):

Labcorp Genetics (formerly Invitae), Labcorp
Classification: Pathogenic for Ehlers-Danlos syndrome, dermatosparaxis type. Last evaluated: 2026-01-26. Review status: criteria provided, single submitter. Criteria: Invitae Variant Classification Sherloc (09022015). Collection method: clinical testing. Allele origin: germline.
Comment: This sequence change creates a premature translational stop signal (p.Gln225*) in the ADAMTS2 gene. It is expected to result in an absent or disrupted protein product. Loss-of-function variants in ADAMTS2 are known to be pathogenic (PMID: 10417273). This variant is present in population databases (rs137853146, gnomAD 0.3%). This premature translational stop signal has been observed in individuals with Ehlers-Danlos syndrome, type VIIC (PMID: 10417273, 18973246). ClinVar contains an entry for this variant (Variation ID: 5502). For these reasons, this variant has been classified as Pathogenic.

Natera, Inc.
Classification: Pathogenic for Ehlers-Danlos syndrome type VIIC. Last evaluated: 2025-10-07. Review status: criteria provided, single submitter. Criteria: Natera Variant Classification Schema (03/2026). Collection method: clinical testing. Allele origin: germline.
Comment: The c.673C>T variant in ADAMTS2 is a nonsense variant predicted to introduce a stop codon at amino acid 225. This variant is expected to result in nonsense mediated decay, truncation, or a dysfunctional protein product. This variant has been observed in one or more individuals affected with the associated recessive disease, as either homozygous or compound heterozygous with a second variant (PMID: 18973246, 10417273). Given the available evidence, this variant is classified as Pathogenic.

Fulgent Genetics
Classification: Pathogenic for Ehlers-Danlos syndrome, dermatosparaxis type. Last evaluated: 2024-05-08. Review status: criteria provided, single submitter. Criteria: ACMG Guidelines, 2015. Collection method: clinical testing. Allele origin: germline.

Mayo Clinic Laboratories, Mayo Clinic
Classification: Pathogenic. Last evaluated: 2024-02-14. Review status: criteria provided, single submitter. Criteria: ACMG Guidelines, 2015. Collection method: clinical testing. Allele origin: germline. Observed: 2 variant alleles.
Comment: PM3_strong, PS4, PVS1

GeneDx
Classification: Pathogenic. Last evaluated: 2021-11-24. Review status: criteria provided, single submitter. Criteria: GeneDx Variant Classification Process June 2021. Collection method: clinical testing. Allele origin: germline. Affected: yes.
Comment: Nonsense variant predicted to result in protein truncation or nonsense mediated decay in a gene for which loss-of-function is a known mechanism of disease; Reported in ClinVar as pathogenic (ClinVar Variant ID# 5502; Landrum et al., 2016); This variant is associated with the following publications: (PMID: 10417273, 27175728, 26879370, 18973246, 26582918)

Revvity Omics, Revvity
Classification: Pathogenic for Ehlers-Danlos syndrome, dermatosparaxis type. Last evaluated: 2021-10-04. Review status: criteria provided, single submitter. Criteria: ACMG Guidelines, 2015. Collection method: clinical testing. Allele origin: germline.

Myriad Genetics, Inc.
Classification: Pathogenic for Ehlers-Danlos syndrome, dermatosparaxis type. Last evaluated: 2020-01-03. Review status: criteria provided, single submitter. Criteria: Myriad Women's Health Autosomal Recessive and X-Linked Classification Criteria (2019). Collection method: clinical testing. Allele origin: unknown.
Comment: NM_014244.4(ADAMTS2):c.673C>T(Q225*) is classified as pathogenic in the context of type VIIC Ehlers-Danlos syndrome. Sources cited for classification include the following: PMID 10417273. Classification of NM_014244.4(ADAMTS2):c.673C>T(Q225*) is based on the following criteria: The variant causes a premature termination codon that is expected to be targeted by nonsense-mediated mRNA decay and is reported in individuals with the relevant phenotype. Please note: this variant was assessed in the context of healthy population screening.

Illumina Laboratory Services, Illumina
Classification: Pathogenic for Ehlers-Danlos syndrome, dermatosparaxis type. Last evaluated: 2018-08-31. Review status: criteria provided, single submitter. Criteria: ICSL Variant Classification Criteria 09 May 2019. Collection method: clinical testing. Allele origin: germline.
Comment: The ADAMTS2 c.673C>T (p.Gln225Ter) variant is a stop-gained variant that is predicted to result in a premature termination of the protein. The variant has been reported in a homozygous state in a total of six individuals with Ehlers-Danlos syndrome (Colige et al. 1999; Bar-Yosef et al. 2008). One of the newborn individuals exhibited multiple non-traumatic congenital skull fractures and multiple other defects related to a connective tissue abnormality (Bar-Yosef et al. 2008). Control data are unavailable for the p.Gln225Ter variant, which is reported at a frequency of 0.003053 in the Ashkenazi Jewish population of the Genome Aggregation Database. Due to the potential impact of stop-gained variants and the available evidence, the p.Gln225Ter variant is classified as pathogenic for Ehlers-Danlos syndrome, dermatosparaxis type. This variant was observed by ICSL as part of a predisposition screen in an ostensibly healthy population.

Women's Health and Genetics/Laboratory Corporation of America, LabCorp
Classification: Pathogenic for Ehlers-Danlos syndrome, dermatosparaxis type. Last evaluated: 2016-02-26. Review status: criteria provided, single submitter. Criteria: LabCorp Variant Classification Summary - May 2015. Collection method: clinical testing. Allele origin: germline.

OMIM
Classification: Pathogenic for EHLERS-DANLOS SYNDROME, DERMATOSPARAXIS TYPE. Last evaluated: 1999-08-01. Review status: no assertion criteria provided. Collection method: literature only. Allele origin: germline. Not counted in ClinVar's aggregate classification.

Literature cited by the submitters: PubMed 10417273 (cited by 7 submitters); PubMed 18973246 (cited by 5 submitters); PubMed 1642226 (cited by Mayo Clinic Laboratories, Mayo Clinic and Women's Health and Genetics/Laboratory Corporation of America, LabCorp); PubMed 26582918 (cited by Mayo Clinic Laboratories, Mayo Clinic); PubMed 28306225 (cited by Mayo Clinic Laboratories, Mayo Clinic); PubMed 8215497 (cited by Mayo Clinic Laboratories, Mayo Clinic and Women's Health and Genetics/Laboratory Corporation of America, LabCorp); PubMed 8986271 (cited by Mayo Clinic Laboratories, Mayo Clinic and Women's Health and Genetics/Laboratory Corporation of America, LabCorp); PubMed 7735500 (cited by Women's Health and Genetics/Laboratory Corporation of America, LabCorp).